The following is an entry in ClinVar:

ClinVar aggregate classification (germline): Benign/Likely benign. Review status: criteria provided, multiple submitters, no conflicts (2 of 4 stars). 6 submissions from 6 submitters: Benign (2); Likely benign (2). 2 of the submissions do not count toward it. Last evaluated 2026-04-01.

Allele frequency attached by ClinVar (database versions not stated): ESP Exome Variant Server 0.00188; ExAC 0.00349; gnomAD exomes 0.00408; gnomAD 0.00577 and 0.00604; 1000 Genomes Project 0.00659; TOPMed 0.00682; 1000 Genomes Project 30x 0.00718.
gnomAD v4.1: 4,910 of 1,524,302 alleles (0.32%); highest among the groups gnomAD compares: Middle Eastern, 2.5%; 71 homozygotes.

Submissions (8):

CeGaT Center for Human Genetics Tuebingen
Classification: Benign. Last evaluated: 2026-04-01. Review status: criteria provided, single submitter. Criteria: CeGaT Center For Human Genetics Tuebingen Variant Classification Criteria Version 2. Collection method: clinical testing. Allele origin: germline. Affected: yes. Observed: 5 variant alleles.
Comment: VPS13A: BS1, BS2

Labcorp Genetics (formerly Invitae), Labcorp
Classification: Benign. Last evaluated: 2026-01-28. Review status: criteria provided, single submitter. Criteria: Invitae Variant Classification Sherloc (09022015). Collection method: clinical testing. Allele origin: germline.

GeneDx
Classification: Likely benign. Last evaluated: 2019-09-29. Review status: criteria provided, single submitter. Criteria: GeneDx Variant Classification Process June 2021. Collection method: clinical testing. Allele origin: germline. Affected: yes.

Breakthrough Genomics
Classification: Likely benign. Review status: criteria provided, single submitter. Criteria: ACMG Guidelines, 2015. Collection method: not provided. Allele origin: germline. Inheritance: Autosomal recessive inheritance. Affected: yes.

Diagnostic Laboratory, Department of Genetics, University Medical Center Groningen
Classification: Likely benign. Review status: no assertion criteria provided. Collection method: clinical testing. Allele origin: germline. Affected: yes. Study: VKGL Data-share Consensus. Not counted in ClinVar's aggregate classification.

Dr. Peter K. Rogan Lab, Western University
No classification provided (evidence only). Condition: Sarcoma. Review status: no classification provided. Collection method: in vitro. Allele origin: not applicable. Functional consequence: retained intron. Not counted in ClinVar's aggregate classification.

Dr. Peter K. Rogan Lab, Western University
No classification provided (evidence only). Condition: Familial pancreatic carcinoma. Review status: no classification provided. Collection method: in vitro. Allele origin: not applicable. Functional consequence: retained intron. Not counted in ClinVar's aggregate classification.

Genome Diagnostics Laboratory, Amsterdam University Medical Center
Classification: Likely benign. Review status: no assertion criteria provided. Collection method: clinical testing. Allele origin: germline. Affected: yes. Study: VKGL Data-share Consensus. Not counted in ClinVar's aggregate classification.

NM_033305.3(VPS13A):c.6379-17T>G

Gene: VPS13A (vacuolar protein sorting 13 homolog A; plus strand). Cytogenetic location: 9q21.2.
Variant type: single nucleotide variant.
Coding change: c.6379-17T>G on transcript NM_033305.3 (MANE Select); 17 bases into the intron before coding-DNA position 6379, T replaced by G.
Molecular consequence: intron variant.
Genome position (GRCh38, 1-based): chr9:77,339,499, T>G. VCF-style: chr9-77339499-T-G. GRCh37 (hg19) VCF-style: chr9-79954415-T-G.
Other names: c.6262-17T>G (NM_001018037.2); c.6379-17T>G (NM_015186.4, NM_001018038.3).
Identifiers: ClinVar variation 1174615 (VCV001174615.38), dbSNP rs373072093, ClinGen allele CA5093038.